The following is an entry in ClinVar:

ClinVar aggregate classification (germline): Likely pathogenic. Review status: criteria provided, multiple submitters, no conflicts (2 of 4 stars). 5 submissions from 5 submitters: Likely pathogenic (5). Last evaluated 2024-03-07.

Conditions:
RNASEH2B-related disorder. Also called: RNASEH2B-related condition.
Aicardi Goutieres syndrome (AGS). Also called: Encephalopathy, familial infantile, with calcification of basal ganglia and chronic cerebrospinal fluid lymphocytosis. Identifiers: Orphanet 51, MedGen C0393591, MONDO:0018866.
Aicardi-Goutieres syndrome 2. Identifiers: Orphanet 51, MedGen C3489724, MONDO:0012429, OMIM 610181.

Allele frequency attached by ClinVar (database versions not stated): gnomAD 0.00001; TOPMed 0.00002; ESP Exome Variant Server 0.00008.
gnomAD v4.1: 2 of 1,610,488 alleles (0.00012%); highest among the groups gnomAD compares: African/African-American, 0.0027%; no homozygotes.

Submissions (5):

Fulgent Genetics
Classification: Likely pathogenic for Aicardi-Goutieres syndrome 2. Last evaluated: 2024-03-07. Review status: criteria provided, single submitter. Criteria: ACMG Guidelines, 2015. Collection method: clinical testing. Allele origin: germline.

Labcorp Genetics (formerly Invitae), Labcorp
Classification: Likely pathogenic for Aicardi-Goutieres syndrome 2. Last evaluated: 2023-12-01. Review status: criteria provided, single submitter. Criteria: Invitae Variant Classification Sherloc (09022015). Collection method: clinical testing. Allele origin: germline.
Comment: This sequence change affects a donor splice site in intron 8 of the RNASEH2B gene. It is expected to disrupt RNA splicing. Variants that disrupt the donor or acceptor splice site typically lead to a loss of protein function (PMID: 16199547), and loss-of-function variants in RNASEH2B are known to be pathogenic (PMID: 17846997). This variant is present in population databases (rs367915667, gnomAD 0.01%). This variant has not been reported in the literature in individuals affected with RNASEH2B-related conditions. ClinVar contains an entry for this variant (Variation ID: 448169). Algorithms developed to predict the effect of sequence changes on RNA splicing suggest that this variant may disrupt the consensus splice site. In summary, the currently available evidence indicates that the variant is pathogenic, but additional data are needed to prove that conclusively. Therefore, this variant has been classified as Likely Pathogenic.

Blueprint Genetics
Classification: Likely pathogenic for RNASEH2B-related disorders. Last evaluated: 2022-06-30. Review status: criteria provided, single submitter. Criteria: ACMG Guidelines, 2015. Collection method: clinical testing. Allele origin: germline. Affected: yes. Observed: 3 variant alleles.

Women's Health and Genetics/Laboratory Corporation of America, LabCorp
Classification: Likely pathogenic for Aicardi Goutieres syndrome. Last evaluated: 2019-09-04. Review status: criteria provided, single submitter. Criteria: LabCorp Variant Classification Summary - May 2015. Collection method: clinical testing. Allele origin: germline.
Comment: Variant summary: RNASEH2B c.698+1G>A is located in a canonical splice-site and is predicted to affect mRNA splicing resulting in a significantly altered protein due to either exon skipping, shortening, or inclusion of intronic material. Several computational tools predict a significant impact on normal splicing: four predict the variant abolishes a 5' splicing donor site. However, these predictions have yet to be confirmed by functional studies. The variant allele was found at a frequency of 3.2e-05 in 31368 control chromosomes (gnomAD, genomes dataset). To our knowledge, no occurrence of c.698+1G>A in individuals affected with Aicardi Goutieres syndrome and no experimental evidence demonstrating its impact on protein function have been reported. One clinical diagnostic laboratory has submitted clinical-significance assessments for this variant to ClinVar after 2014 without evidence for independent evaluation, and classified the variant as likely pathogenic. Based on the evidence outlined above, the variant was classified as likely pathogenic.

Athena Diagnostics
Classification: Likely pathogenic. Last evaluated: 2017-10-25. Review status: criteria provided, single submitter. Criteria: Athena Diagnostics Criteria. Collection method: clinical testing. Allele origin: germline.

Literature cited by the submitters: PubMed 16199547 (cited by Labcorp Genetics (formerly Invitae), Labcorp); PubMed 17846997 (cited by Labcorp Genetics (formerly Invitae), Labcorp).

NM_024570.4(RNASEH2B):c.698+1G>A

Gene: RNASEH2B (ribonuclease H2 subunit B; plus strand). Cytogenetic location: 13q14.3.
Variant type: single nucleotide variant.
Coding change: c.698+1G>A on transcript NM_024570.4 (MANE Select); the canonical splice donor site of the intron after coding-DNA position 698, G replaced by A.
Molecular consequence: splice donor variant.
Genome position (GRCh38, 1-based): chr13:50,948,069, G>A. VCF-style: chr13-50948069-G-A. GRCh37 (hg19) VCF-style: chr13-51522205-G-A.
Other names: c.698+1G>A (NM_001142279.2, NM_001411023.1).
Identifiers: ClinVar variation 448169 (VCV000448169.14), dbSNP rs367915667, ClinGen allele CA249998465.